The following is an entry in ClinVar:

ClinVar aggregate classification (germline): Uncertain significance (1 of 4 stars; one submission).

Conditions:
Emery-Dreifuss muscular dystrophy 5, autosomal dominant (EDMD5). Also called: EMERY-DREIFUSS MUSCULAR DYSTROPHY 5. Identifiers: Orphanet 261, MedGen C2751805, MONDO:0013072, OMIM 612999.

Allele frequency attached by ClinVar (database versions not stated): TOPMed 0.00002.
gnomAD v4.1: 1 of 1,613,980 alleles (0.000062%); highest among the groups gnomAD compares: Non-Finnish European, 0.000085%; no homozygotes.

Submission:

Labcorp Genetics (formerly Invitae), Labcorp
Classification: Uncertain significance for Emery-Dreifuss muscular dystrophy 5, autosomal dominant. Last evaluated: 2021-03-01. Review status: criteria provided, single submitter. Criteria: Invitae Variant Classification Sherloc (09022015). Collection method: clinical testing. Allele origin: germline.
Comment: In summary, the available evidence is currently insufficient to determine the role of this variant in disease. Therefore, it has been classified as a Variant of Uncertain Significance. Algorithms developed to predict the effect of missense changes on protein structure and function are either unavailable or do not agree on the potential impact of this missense change (SIFT: "Tolerated"; PolyPhen-2: "Possibly Damaging"; Align-GVGD: "Class C0"). This variant has not been reported in the literature in individuals with SYNE2-related disease. This variant is not present in population databases (ExAC no frequency). This sequence change replaces glutamic acid with alanine at codon 4100 of the SYNE2 protein (p.Glu4100Ala). The glutamic acid residue is weakly conserved and there is a moderate physicochemical difference between glutamic acid and alanine.

NM_182914.3(SYNE2):c.12299A>C (p.Glu4100Ala)

Gene: SYNE2 (spectrin repeat containing nuclear envelope protein 2; plus strand). Cytogenetic location: 14q23.2.
Variant type: single nucleotide variant.
Coding change: c.12299A>C on transcript NM_182914.3 (MANE Select); coding-DNA position 12299, A replaced by C.
Protein change: p.Glu4100Ala; replaces glutamic acid 4100 with alanine.
Molecular consequence: missense variant.
Genome position (GRCh38, 1-based): chr14:64,098,139, A>C. VCF-style: chr14-64098139-A-C. GRCh37 (hg19) VCF-style: chr14-64564857-A-C.
Other names: c.12299A>C, p.Glu4100Ala (NM_015180.6); short protein forms E4100A.
Identifiers: ClinVar variation 578078 (VCV000578078.8), dbSNP rs779963258, ClinGen allele CA389953011.